The following is an entry in ClinVar:

NM_198576.4(AGRN):c.2048A>C (p.Glu683Ala)

Gene: AGRN (agrin; plus strand). Cytogenetic location: 1p36.33.
Variant type: single nucleotide variant.
Coding change: c.2048A>C on transcript NM_198576.4 (MANE Select); coding-DNA position 2048, A replaced by C.
Protein change: p.Glu683Ala; replaces glutamic acid 683 with alanine.
Molecular consequence: missense variant.
Genome position (GRCh38, 1-based): chr1:1,044,157, A>C. VCF-style: chr1-1044157-A-C. GRCh37 (hg19) VCF-style: chr1-979537-A-C.
Other names: c.2048A>C, p.Glu683Ala (NM_001305275.2); c.1733A>C, p.Glu578Ala (NM_001364727.2); short protein forms E578A, E683A.
Identifiers: ClinVar variation 2084079 (VCV002084079.2), dbSNP rs754986603, ClinGen allele CA337835990.
Genomic context (GRCh38, chr1:1,044,157, plus strand): 5'-CCTTCCCCGCAGCCGAGTGCGGTTCCGGAGGCTCTGGCTCTGGGGAGGACGGTGACTGTG[A>C]GCAGGAGCTGTGCCGGCAGCGCGGTGGCATCTGGGACGAGGACTCGGAGGACGGGCCGTG-3'
Protein context (NP_940978.2, residues 673-693): GSGSGEDGDC[Glu683Ala]QELCRQRGGI

ClinVar aggregate classification (germline): Uncertain significance (1 of 4 stars; one submission).

Conditions:
Congenital myasthenic syndrome 8. Also called: MYASTHENIC SYNDROME, CONGENITAL, DUE TO AGRIN DEFICIENCY; Myasthenic syndrome, congenital, 8, with pre- and postsynaptic defects. Identifiers: Orphanet 590, MedGen C3808739, MONDO:0014052, OMIM 615120.

Allele frequency attached by ClinVar (database versions not stated): TOPMed 0.00001.
gnomAD v4.1: 7 of 1,613,204 alleles (0.00043%); highest among the groups gnomAD compares: Admixed American, 0.0067%; no homozygotes.

Submission:

Labcorp Genetics (formerly Invitae), Labcorp
Classification: Uncertain significance for Congenital myasthenic syndrome 8. Last evaluated: 2022-05-21. Review status: criteria provided, single submitter. Criteria: Invitae Variant Classification Sherloc (09022015). Collection method: clinical testing. Allele origin: germline.
Comment: This variant is present in population databases (no rsID available, gnomAD 0.009%). This variant has not been reported in the literature in individuals affected with AGRN-related conditions. Algorithms developed to predict the effect of missense changes on protein structure and function are either unavailable or do not agree on the potential impact of this missense change (SIFT: "Deleterious"; PolyPhen-2: "Possibly Damaging"; Align-GVGD: "Class C0"). In summary, the available evidence is currently insufficient to determine the role of this variant in disease. Therefore, it has been classified as a Variant of Uncertain Significance. This sequence change replaces glutamic acid, which is acidic and polar, with alanine, which is neutral and non-polar, at codon 683 of the AGRN protein (p.Glu683Ala).